The following is an entry in ClinVar:

NM_007294.4(BRCA1):c.1490C>G (p.Pro497Arg)

Gene: BRCA1 (BRCA1 DNA repair associated; minus strand). Cytogenetic location: 17q21.31.
Variant type: single nucleotide variant.
Coding change: c.1490C>G on transcript NM_007294.4 (MANE Select); coding-DNA position 1490, C replaced by G.
Protein change: p.Pro497Arg; replaces proline 497 with arginine.
Molecular consequence: missense variant. On other transcripts: intron variant (137).
Genome position (GRCh38, 1-based): chr17:43,094,041, G>C on the plus strand (C>G on the coding strand, the complement: BRCA1 is on the minus strand). VCF-style: chr17-43094041-G-C. GRCh37 (hg19) VCF-style: chr17-41246058-G-C.
Other names: c.577+703C>G (NM_001408514.1, NM_001408485.1, NM_001408481.1 and 9 more transcripts); c.1412C>G, p.Pro471Arg (NM_001407654.1, NM_001407655.1, NM_001407656.1 and 4 more transcripts); c.661+703C>G (NM_001408447.1, NM_001408433.1, NM_001408446.1 and 6 more transcripts); c.709+703C>G (NM_001408411.1, NM_001408412.1, NM_001408409.1 and 2 more transcripts); c.1280C>G, p.Pro427Arg (NM_001407882.1, NM_001407884.1, NM_001407885.1 and 13 more transcripts); c.1277C>G, p.Pro426Arg (NM_001407894.1, NM_001407895.1, NM_001407896.1 and 9 more transcripts); c.1367C>G, p.Pro456Arg (NM_001407919.1, NM_001407937.1, NM_001407938.1 and 19 more transcripts); c.1226C>G, p.Pro409Arg (NM_001407920.1, NM_001407921.1, NM_001407922.1 and 9 more transcripts); and 40 more; short protein forms P201R, P329R, P369R, P370R, P385R, P386R, P408R, P409R.
Identifiers: ClinVar variation 3226102 (VCV003226102.1), dbSNP rs1555591693, ClinGen allele CA10599066.
Genomic context (GRCh38, chr17:43,094,041, plus strand): 5'-AAATCCTCAGGATGAAGGCCTGATGTAGGTCTCCTTTTACGCTTTAATTTATTTGTGAGG[G>C]GACGCTCTTGTATTATCTGTGGCTCAGTAACAAATGCTCCTATAATTAGATTTTCAGTTA-3'
Protein context (NP_009225.1, residues 487-507): VTEPQIIQER[Pro497Arg]LTNKLKRKRR

ClinVar aggregate classification (germline): Uncertain significance (1 of 4 stars; one submission).

Conditions:
Hereditary cancer-predisposing syndrome. Also called: Neoplastic Syndromes, Hereditary; Tumor predisposition; Hereditary neoplastic syndrome; Hereditary Cancer Syndrome. Identifiers: Orphanet 140162, MedGen C0027672, MeSH D009386, MONDO:0015356.

Submission:

Ambry Genetics
Classification: Uncertain significance for Hereditary cancer-predisposing syndrome. Last evaluated: 2024-01-06. Review status: criteria provided, single submitter. Criteria: Ambry Variant Classification Scheme 2023. Collection method: clinical testing. Allele origin: germline.
Comment: The p.P497R variant (also known as c.1490C>G), located in coding exon 9 of the BRCA1 gene, results from a C to G substitution at nucleotide position 1490. The proline at codon 497 is replaced by arginine, an amino acid with dissimilar properties. This amino acid position is conserved. In addition, the in silico prediction for this alteration is inconclusive. Since supporting evidence is limited at this time, the clinical significance of this alteration remains unclear.